The following is an entry in ClinVar:

NM_006531.5(IFT88):c.-7+736A>G

Gene: IFT88 (intraflagellar transport 88; plus strand). Cytogenetic location: 13q12.11.
Variant type: single nucleotide variant.
Coding change: c.-7+736A>G on transcript NM_006531.5 (MANE Select); 736 bases into the intron after 7 bases upstream of the start codon, A replaced by G.
Molecular consequence: intron variant. On other transcripts: missense variant (9), 5 prime UTR variant (1), non-coding transcript variant (3).
Genome position (GRCh38, 1-based): chr13:20,567,992, A>G. VCF-style: chr13-20567992-A-G. GRCh37 (hg19) VCF-style: chr13-21142131-A-G.
Other names: c.16A>G, p.Thr6Ala (NM_001318493.2, NM_001353565.2, NM_001353566.2 and 6 more transcripts); c.-143A>G (NM_001353568.2); c.-7+736A>G (NM_001353572.2, NM_001353571.2, NM_001353578.2 and 4 more transcripts); c.-570+736A>G (NM_001353579.2); short protein forms T6A.
Identifiers: ClinVar variation 1394194 (VCV001394194.6), dbSNP rs374667274, ClinGen allele CA6904902.
Genomic context (GRCh38, chr13:20,567,992, plus strand): 5'-GGCTTCCCTGGGCCACATCGGAAGAAGAATTGTCTTGGGCCACACATGAAATTCACAAAC[A>G]CTAAGGTAGCCGATGAGCTTTAAAAAAAATCGCAAAAAAGAATCTCATAATGCTTCCAGA-3'

ClinVar aggregate classification (germline): Uncertain significance (1 of 4 stars; one submission).

Allele frequency attached by ClinVar (database versions not stated): TOPMed 0.00006; gnomAD 0.00008; 1000 Genomes Project 30x 0.00016; 1000 Genomes Project 0.00020; ESP Exome Variant Server 0.00028; ExAC 0.00047.
gnomAD v4.1: 89 of 713,262 alleles (0.012%); highest among the groups gnomAD compares: Middle Eastern, 0.16%; no homozygotes.

Submission:

Labcorp Genetics (formerly Invitae), Labcorp
Classification: Uncertain significance. Last evaluated: 2025-11-25. Review status: criteria provided, single submitter. Criteria: Invitae Variant Classification Sherloc (09022015). Collection method: clinical testing. Allele origin: germline.
Comment: This sequence change replaces threonine, which is neutral and polar, with alanine, which is neutral and non-polar, at codon 6 of the IFT88 protein (p.Thr6Ala). This variant is present in population databases (rs374667274, gnomAD 0.05%). This variant has not been reported in the literature in individuals affected with IFT88-related conditions. ClinVar contains an entry for this variant (Variation ID: 1394194). An algorithm developed to predict the effect of missense changes on protein structure and function (PolyPhen-2) suggests that this variant is likely to be tolerated. In summary, the available evidence is currently insufficient to determine the role of this variant in disease. Therefore, it has been classified as a Variant of Uncertain Significance.